The following is an entry in ClinVar:

ClinVar aggregate classification (germline): Pathogenic. Review status: criteria provided, multiple submitters, no conflicts (2 of 4 stars). 2 submissions from 2 submitters: Pathogenic (2). Last evaluated 2026-05-05.

Conditions:
EPILEPSY, CHILDHOOD ABSENCE, SUSCEPTIBILITY TO, 2 (ECA2). Identifiers: Orphanet 64280, MedGen C1843244, OMIM 607681.
Febrile seizures, familial, 8 (FEB8). Also called: CONVULSIONS, FAMILIAL FEBRILE, 8. Identifiers: Orphanet 36387, MedGen C1969810, MONDO:0011891, OMIM 607681.
Epilepsy. Also called: Seizure disorder. Identifiers: MedGen C0014544, MeSH D004827, MONDO:0005027.

Submissions (2):

Cytogénomique, Hospices Civils de Lyon
Classification: Pathogenic for Epilepsy. Last evaluated: 2026-05-05. Review status: criteria provided, single submitter. Criteria: ACMG Guidelines, 2015. Collection method: clinical testing. Allele origin: germline. Affected: yes.

Labcorp Genetics (formerly Invitae), Labcorp
Classification: Pathogenic for Febrile seizures, familial, 8; EPILEPSY, CHILDHOOD ABSENCE, SUSCEPTIBILITY TO, 2. Last evaluated: 2025-02-24. Review status: criteria provided, single submitter. Criteria: Invitae Variant Classification Sherloc (09022015). Collection method: clinical testing. Allele origin: germline.
Comment: This sequence change replaces threonine, which is neutral and polar, with isoleucine, which is neutral and non-polar, at codon 310 of the GABRG2 protein (p.Thr310Ile). This variant is not present in population databases (gnomAD no frequency). This missense change has been observed in individual(s) with clinical features of GABRG2-related conditions (PMID: 35359574). In at least one individual the variant was observed to be de novo. ClinVar contains an entry for this variant (Variation ID: 1508087). Invitae Evidence Modeling of protein sequence and biophysical properties (such as structural, functional, and spatial information, amino acid conservation, physicochemical variation, residue mobility, and thermodynamic stability) indicates that this missense variant is expected to disrupt GABRG2 protein function with a positive predictive value of 95%. For these reasons, this variant has been classified as Pathogenic.

Literature cited by the submitters: PubMed 35359574 (cited by Labcorp Genetics (formerly Invitae), Labcorp).

NM_198904.4(GABRG2):c.929C>T (p.Thr310Ile)

Gene: GABRG2 (gamma-aminobutyric acid type A receptor subunit gamma2; plus strand). Cytogenetic location: 5q34.
Variant type: single nucleotide variant.
Coding change: c.929C>T on transcript NM_198904.4 (MANE Select); coding-DNA position 929, C replaced by T.
Protein change: p.Thr310Ile; replaces threonine 310 with isoleucine.
Molecular consequence: missense variant. On other transcripts: intron variant (1).
Genome position (GRCh38, 1-based): chr5:162,149,114, C>T. VCF-style: chr5-162149114-C-T. GRCh37 (hg19) VCF-style: chr5-161576120-C-T.
Other names: c.929C>T, p.Thr310Ile (NM_000816.3); c.920C>T, p.Thr307Ile (NM_001375339.1); c.926C>T, p.Thr309Ile (NM_001375341.1, NM_001375342.1); c.1049C>T, p.Thr350Ile (NM_001375343.1, NM_198903.2); c.968C>T, p.Thr323Ile (NM_001375344.1); c.863C>T, p.Thr288Ile (NM_001375345.1, NM_001375346.1); c.842C>T, p.Thr281Ile (NM_001375347.1); c.509C>T, p.Thr170Ile (NM_001375348.1, NM_001375350.1); and 2 more; short protein forms T309I, T310I, T323I, T170I, T288I, T281I, T307I, T215I.
Identifiers: ClinVar variation 1508087 (VCV001508087.9), dbSNP rs2113632484, ClinGen allele CA362182309.